The following is an entry in ClinVar:

NM_003072.5(SMARCA4):c.2617-13C>T

Gene: SMARCA4 (SWI/SNF related BAF chromatin remodeling complex subunit ATPase 4; plus strand). Cytogenetic location: 19p13.2.
Variant type: single nucleotide variant.
Coding change: c.2617-13C>T on transcript NM_003072.5 (MANE Select); 13 bases into the intron before coding-DNA position 2617, C replaced by T.
Molecular consequence: intron variant.
Genome position (GRCh38, 1-based): chr19:11,021,712, C>T. VCF-style: chr19-11021712-C-T. GRCh37 (hg19) VCF-style: chr19-11132388-C-T.
Other names: c.2617-13C>T (NM_001128844.3, NM_001128849.3, NM_001128847.4 and 5 more transcripts).
Identifiers: ClinVar variation 1547903 (VCV001547903.9), dbSNP rs774918337, ClinGen allele CA9204208.

ClinVar aggregate classification (germline): Likely benign. Review status: criteria provided, multiple submitters, no conflicts (2 of 4 stars). 2 submissions from 2 submitters: Likely benign (2). Last evaluated 2026-07-07.

Conditions:
Rhabdoid tumor predisposition syndrome 2 (RTPS2). Identifiers: Orphanet 231108, Orphanet 69077, MedGen C2750074, MONDO:0013224, OMIM 613325.

Allele frequency attached by ClinVar (database versions not stated): gnomAD exomes 0.00002 and below 0.00001; ExAC 0.00004; TOPMed below 0.00001.
gnomAD v4.1: 4 of 1,602,668 alleles (0.00025%); highest among the groups gnomAD compares: Admixed American, 0.0069%; no homozygotes.

Submissions (2):

Myriad Genetics, Inc.
Classification: Likely benign for Rhabdoid tumor predisposition syndrome 2. Last evaluated: 2026-07-07. Review status: criteria provided, single submitter. Criteria: Myriad Autosomal Dominant, Autosomal Recessive and X-Linked Classification Criteria (2023). Collection method: clinical testing. Allele origin: unknown.
Comment: This variant is considered likely benign. This variant is intronic and is not expected to impact mRNA splicing.

Labcorp Genetics (formerly Invitae), Labcorp
Classification: Likely benign for Rhabdoid tumor predisposition syndrome 2. Last evaluated: 2025-11-21. Review status: criteria provided, single submitter. Criteria: Invitae Variant Classification Sherloc (09022015). Collection method: clinical testing. Allele origin: germline.